The following is an entry in ClinVar:

ClinVar aggregate classification (germline): Uncertain significance (1 of 4 stars; one submission).

Conditions:
Duchenne muscular dystrophy (DMD). Also called: Duchenne Muscular Dystrophy (DMD); MUSCULAR DYSTROPHY, PSEUDOHYPERTROPHIC PROGRESSIVE, DUCHENNE TYPE. Identifiers: Orphanet 98896, MedGen C0013264, MONDO:0010679, OMIM 310200.

Submission:

Labcorp Genetics (formerly Invitae), Labcorp
Classification: Uncertain significance for Duchenne muscular dystrophy. Last evaluated: 2020-12-21. Review status: criteria provided, single submitter. Criteria: Invitae Variant Classification Sherloc (09022015). Collection method: clinical testing. Allele origin: germline.
Comment: In summary, the available evidence is currently insufficient to determine the role of this variant in disease. Therefore, it has been classified as a Variant of Uncertain Significance. This variant has not been reported in the literature in individuals with DMD-related conditions. This variant results in a copy number gain of the genomic region encompassing exon(s) 50-53 of the DMD gene. While the exact position of this variant cannot be determined from the data, sub-genic copy number gains are generally in tandem (PMID: 25640679). This variant is predicted to be in-frame, and likely preserves the integrity of the reading frame.

Literature cited by the submitters: PubMed 25640679.

NC_000023.10:g.(?_31697472)_(31838220_?)dup

Gene: DMD (dystrophin; minus strand). Cytogenetic location: Xp21.1.
Variant type: Duplication.
Identifiers: ClinVar variation 1444943 (VCV001444943.7).